The following is an entry in ClinVar:

ClinVar aggregate classification (germline): Likely benign. Review status: criteria provided, single submitter (1 of 4 stars). 2 submissions from 2 submitters: Likely benign (1). 1 of the submissions does not count toward it. Last evaluated 2025-03-06.

Conditions:
RBFOX1-related disorder. Also called: RBFOX1-related condition.
Idiopathic generalized epilepsy. Also called: EIG; Generalised epilepsy. Identifiers: MedGen C0270850, MONDO:0005579, OMIM 600669.

Allele frequency attached by ClinVar (database versions not stated): gnomAD exomes below 0.00001; gnomAD 0.00001; TOPMed 0.00001.
gnomAD v4.1: 11 of 1,605,444 alleles (0.00069%); highest among the groups gnomAD compares: East Asian, 0.0067%; no homozygotes.

Submissions (2):

Labcorp Genetics (formerly Invitae), Labcorp
Classification: Likely benign for Idiopathic generalized epilepsy. Last evaluated: 2025-03-06. Review status: criteria provided, single submitter. Criteria: Invitae Variant Classification Sherloc (09022015). Collection method: clinical testing. Allele origin: germline.

PreventionGenetics, part of Exact Sciences
Classification: Likely benign for RBFOX1-related condition. Last evaluated: 2019-07-01. Review status: no assertion criteria provided. Collection method: clinical testing. Allele origin: germline. Not counted in ClinVar's aggregate classification.
Comment: This variant is classified as likely benign based on ACMG/AMP sequence variant interpretation guidelines (Richards et al. 2015 PMID: 25741868, with internal and published modifications).

NM_018723.4(RBFOX1):c.804A>T (p.Arg268=)

Gene: RBFOX1 (RNA binding fox-1 homolog 1; plus strand). Cytogenetic location: 16p13.3.
Variant type: single nucleotide variant.
Coding change: c.804A>T on transcript NM_018723.4 (MANE Select); coding-DNA position 804, A replaced by T.
Protein change: p.Arg268=; no amino-acid change (arginine 268 retained).
Molecular consequence: synonymous variant.
Genome position (GRCh38, 1-based): chr16:7,653,861, A>T. VCF-style: chr16-7653861-A-T. GRCh37 (hg19) VCF-style: chr16-7703863-A-T.
Other names: c.723A>T, p.Arg241= (NM_001142333.2); c.804A>T, p.Arg268= (NM_001142334.2, NM_001364800.2); c.864A>T (NM_145891.2); c.933A>T, p.Arg311= (NM_001308117.1, NM_001411047.1, NM_001415891.1 and 1 more transcripts); c.1401A>T, p.Arg467= (NM_001415887.1); c.1320A>T, p.Arg440= (NM_001415888.1); c.912A>T, p.Arg304= (NM_001415889.1, NM_001415892.1, NM_001415894.1 and 1 more transcripts); c.879A>T, p.Arg293= (NM_001415890.1, NM_001415893.1, NM_001415899.1 and 1 more transcripts); and 13 more.
Identifiers: ClinVar variation 2057629 (VCV002057629.6), dbSNP rs371567019, ClinGen allele CA277386593.